The following is an entry in ClinVar:

NM_001384900.1(SEMA3D):c.1959A>C (p.Arg653=)

Genes: SEMA3D (semaphorin 3D; minus strand), LOC126860094 (BRD4-independent group 4 enhancer GRCh37_chr7:84628763-84629962; plus strand). Cytogenetic location: 7q21.11.
Variant type: single nucleotide variant.
Coding change: c.1959A>C on transcript NM_001384900.1 (MANE Select); coding-DNA position 1959, A replaced by C.
Protein change: p.Arg653=; no amino-acid change (arginine 653 retained).
Molecular consequence: synonymous variant.
Genome position (GRCh38, 1-based): chr7:84,999,815, T>G on the plus strand (A>C on the coding strand, the complement: SEMA3D is on the minus strand). VCF-style: chr7-84999815-T-G. GRCh37 (hg19) VCF-style: chr7-84629131-T-G.
Other names: c.1959A>C, p.Arg653= (NM_001384901.1, NM_001384902.1, NM_001384903.1 and 1 more transcripts).
Identifiers: ClinVar variation 4979994 (VCV004979994.1).
Genomic context (GRCh38, chr7:84,999,815, plus strand): 5'-GATGAAAGTGTGCTCCTGGGCTTTGCAGTAATACATCCCAGAATCCTTCTTCTGCAAACT[T>G]CGAATCAGTAGCCCATATTCCGTTTTGATGATTCTTTCATCGGGCTTCAACTGCAGAATT-3'
Protein context (NP_001371829.1, residues 643-663): IIKTEYGLLI[Arg653=]SLQKKDSGMY

ClinVar aggregate classification (germline): Likely benign (1 of 4 stars; one submission).

Conditions:
SEMA3D-related disorder. Also called: SEMA3D-related condition.

gnomAD v4.1: 10 of 1,614,038 alleles (0.00062%); highest among the groups gnomAD compares: South Asian, 0.011%; no homozygotes.

Submission:

PreventionGenetics, part of Exact Sciences
Classification: Likely benign for SEMA3D-related condition. Last evaluated: 2025-09-22. Review status: criteria provided, single submitter. Criteria: ACMG Guidelines, 2015. Collection method: clinical testing. Allele origin: germline.
Comment: This variant is classified as likely benign based on ACMG/AMP sequence variant interpretation guidelines (Richards et al. 2015 PMID: 25741868, with internal and published modifications).